The following is an entry in ClinVar:

ClinVar aggregate classification (germline): Uncertain significance. Review status: criteria provided, multiple submitters, no conflicts (2 of 4 stars). 2 submissions from 2 submitters: Uncertain significance (2). Last evaluated 2025-02-16.

Conditions:
Fanconi anemia (FA). Also called: Fanconi's anemia. Identifiers: Orphanet 84, MedGen C0015625, MeSH D005199, MONDO:0019391.
Inborn genetic diseases. Identifiers: MedGen C0950123, MeSH D030342.

Allele frequency attached by ClinVar (database versions not stated): ExAC 0.00001.

Submissions (2):

Ambry Genetics
Classification: Uncertain significance for Inborn genetic diseases. Last evaluated: 2025-02-16. Review status: criteria provided, single submitter. Criteria: Ambry Variant Classification Scheme 2023. Collection method: clinical testing. Allele origin: germline.
Comment: The p.V24L variant (also known as c.70G>C), located in coding exon 1 of the FANCG gene, results from a G to C substitution at nucleotide position 70. The valine at codon 24 is replaced by leucine, an amino acid with highly similar properties. This amino acid position is conserved. In addition, the in silico prediction for this alteration is inconclusive. Based on the available evidence, the clinical significance of this variant remains unclear.

Labcorp Genetics (formerly Invitae), Labcorp
Classification: Uncertain significance for Fanconi anemia. Last evaluated: 2023-08-24. Review status: criteria provided, single submitter. Criteria: Invitae Variant Classification Sherloc (09022015). Collection method: clinical testing. Allele origin: germline.
Comment: This sequence change replaces valine, which is neutral and non-polar, with leucine, which is neutral and non-polar, at codon 24 of the FANCG protein (p.Val24Leu). The frequency data for this variant in the population databases is considered unreliable, as metrics indicate poor data quality at this position in the gnomAD database. In summary, the available evidence is currently insufficient to determine the role of this variant in disease. Therefore, it has been classified as a Variant of Uncertain Significance. Advanced modeling of protein sequence and biophysical properties (such as structural, functional, and spatial information, amino acid conservation, physicochemical variation, residue mobility, and thermodynamic stability) performed at Invitae indicates that this missense variant is expected to disrupt FANCG protein function. This variant has not been reported in the literature in individuals affected with FANCG-related conditions.

NM_004629.2(FANCG):c.70G>C (p.Val24Leu)

Gene: FANCG (FA complementation group G; minus strand). Cytogenetic location: 9p13.3.
Variant type: single nucleotide variant.
Coding change: c.70G>C on transcript NM_004629.2 (MANE Select); coding-DNA position 70, G replaced by C.
Protein change: p.Val24Leu; replaces valine 24 with leucine.
Molecular consequence: missense variant.
Genome position (GRCh38, 1-based): chr9:35,079,455, C>G on the plus strand (G>C on the coding strand, the complement: FANCG is on the minus strand). VCF-style: chr9-35079455-C-G. GRCh37 (hg19) VCF-style: chr9-35079452-C-G.
Other names: short protein forms V24L.
Identifiers: ClinVar variation 2772782 (VCV002772782.4), dbSNP rs760727841, ClinGen allele CA5040159.